The following is an entry in ClinVar:

ClinVar aggregate classification (germline): Uncertain significance. Review status: criteria provided, multiple submitters, no conflicts (2 of 4 stars). 2 submissions from 2 submitters: Uncertain significance (2). Last evaluated 2025-03-18.

Conditions:
MDN1-related disorder. Also called: MDN1-related condition.

Allele frequency attached by ClinVar (database versions not stated): TOPMed below 0.00001.

Submissions (2):

Ambry Genetics
Classification: Uncertain significance. Last evaluated: 2025-03-18. Review status: criteria provided, single submitter. Criteria: Ambry Variant Classification Scheme 2023. Collection method: clinical testing. Allele origin: germline.

PreventionGenetics, part of Exact Sciences
Classification: Uncertain significance for MDN1-related condition. Last evaluated: 2022-08-22. Review status: criteria provided, single submitter. Criteria: ACMG Guidelines, 2015. Collection method: clinical testing. Allele origin: germline.
Comment: The MDN1 c.3919G>A variant is predicted to result in the amino acid substitution p.Ala1307Thr. To our knowledge, this variant has not been reported in the literature or in a large population database, indicating this variant is rare. At this time, the clinical significance of this variant is uncertain due to the absence of conclusive functional and genetic evidence.

NM_014611.3(MDN1):c.3919G>A (p.Ala1307Thr)

Gene: MDN1 (midasin AAA ATPase 1; minus strand). Cytogenetic location: 6q15.
Variant type: single nucleotide variant.
Coding change: c.3919G>A on transcript NM_014611.3 (MANE Select); coding-DNA position 3919, G replaced by A.
Protein change: p.Ala1307Thr; replaces alanine 1307 with threonine.
Molecular consequence: missense variant.
Genome position (GRCh38, 1-based): chr6:89,745,612, C>T on the plus strand (G>A on the coding strand, the complement: MDN1 is on the minus strand). VCF-style: chr6-89745612-C-T. GRCh37 (hg19) VCF-style: chr6-90455331-C-T.
Other names: c.3919G>A (NM_014611.1); short protein forms A1307T.
Identifiers: ClinVar variation 2636329 (VCV002636329.2), dbSNP rs1192094051, ClinGen allele CA364981950.